The following is an entry in ClinVar:

NM_000287.4(PEX6):c.2147_2151del (p.Glu716fs)

Gene: PEX6 (peroxisomal biogenesis factor 6; minus strand). Cytogenetic location: 6p21.1.
Variant type: Deletion.
Coding change: c.2147_2151del on transcript NM_000287.4 (MANE Select); coding-DNA positions 2147 to 2151, 5 bases deleted (AGATC; older notation c.2147_2151delAGATC).
Protein change: p.Glu716fs; shifts the reading frame from glutamic acid 716.
Molecular consequence: frameshift variant.
Genome position (GRCh38, 1-based): chr6:42,966,391-42,966,395, GATCT deleted on the plus strand (AGATC on the coding strand, the reverse complement: PEX6 is on the minus strand). VCF-style (leftmost placement, unchanged base first): chr6-42966390-GGATCT-G. GRCh37 (hg19) VCF-style: chr6-42934128-GGATCT-G.
Other names: c.1883_1887del, p.Glu628fs (NM_001316313.2); short protein forms E628fs, E716fs.
Identifiers: ClinVar variation 5011291 (VCV005011291.1).

ClinVar aggregate classification (germline): Pathogenic (1 of 4 stars; one submission).

Conditions:
Peroxisome biogenesis disorder. Identifiers: Orphanet 79189, MedGen C1832200, MONDO:0019234. Disease mechanism: loss of function.

Submission:

Myriad Genetics, Inc.
Classification: Pathogenic for Peroxisome biogenesis disorder. Last evaluated: 2023-08-09. Review status: criteria provided, single submitter. Criteria: Myriad Autosomal Dominant, Autosomal Recessive and X-Linked Classification Criteria (2023). Collection method: clinical testing. Allele origin: unknown.
Comment: NM_000287.3(PEX6):c.2147_2151del5(E716Afs*12) is expected to be pathogenic in the context of peroxisome biogenesis disorder type 4. This variant is predicted to lead to an abnormal or absent protein product due to the creation of a premature termination codon in PEX6, a gene where loss-of-function variants are known to be pathogenic. Please note: this variant was assessed in the context of healthy population screening.